The following is an entry in ClinVar:

ClinVar aggregate classification (germline): Uncertain significance (1 of 4 stars; one submission).

Conditions:
Familial cold autoinflammatory syndrome 3 (FCAS3). Also called: FAMILIAL ATYPICAL COLD URTICARIA; ANTIBODY DEFICIENCY AND IMMUNE DYSREGULATION, PLCG2-ASSOCIATED. Identifiers: Orphanet 300359, MedGen C3280914, MONDO:0013766, OMIM 614468.

Submission:

Labcorp Genetics (formerly Invitae), Labcorp
Classification: Uncertain significance for Familial cold autoinflammatory syndrome 3. Last evaluated: 2025-08-09. Review status: criteria provided, single submitter. Criteria: Invitae Variant Classification Sherloc (09022015). Collection method: clinical testing. Allele origin: germline.
Comment: This sequence change replaces leucine, which is neutral and non-polar, with valine, which is neutral and non-polar, at codon 109 of the PLCG2 protein (p.Leu109Val). The frequency data for this variant in the population databases is considered unreliable, as metrics indicate poor data quality at this position in the gnomAD database. This variant has not been reported in the literature in individuals affected with PLCG2-related conditions. An algorithm developed to predict the effect of missense changes on protein structure and function (PolyPhen-2) suggests that this variant is likely to be disruptive. In summary, the available evidence is currently insufficient to determine the role of this variant in disease. Therefore, it has been classified as a Variant of Uncertain Significance.

NM_002661.5(PLCG2):c.325C>G (p.Leu109Val)

Gene: PLCG2 (phospholipase C gamma 2; plus strand). Cytogenetic location: 16q23.3.
Variant type: single nucleotide variant.
Coding change: c.325C>G on transcript NM_002661.5 (MANE Select); coding-DNA position 325, C replaced by G.
Protein change: p.Leu109Val; replaces leucine 109 with valine.
Molecular consequence: missense variant.
Genome position (GRCh38, 1-based): chr16:81,854,575, C>G. VCF-style: chr16-81854575-C-G. GRCh37 (hg19) VCF-style: chr16-81888180-C-G.
Other names: c.325C>G, p.Leu109Val (NM_001425749.1, NM_001425750.1, NM_001425751.1); short protein forms L109V.
Identifiers: ClinVar variation 4764081 (VCV004764081.1).